The following is an entry in ClinVar:

ClinVar aggregate classification (germline): Conflicting classifications of pathogenicity. Review status: criteria provided, conflicting classifications (1 of 4 stars). 5 submissions from 5 submitters: Pathogenic (2); Likely pathogenic (2); Uncertain significance (1). Last evaluated 2025-09-18.

Conditions:
Retinitis pigmentosa 39 (RP39). Identifiers: Orphanet 791, MedGen C3151138, MONDO:0013436, OMIM 613809.
Usher syndrome. Also called: Usher Syndromes; Usher's syndrome. Identifiers: Orphanet 886, MedGen CN469326, MeSH D052245, MONDO:0019501. Disease mechanism: loss of function.
Retinitis pigmentosa (RP). Identifiers: Orphanet 791, MedGen C0035334, MeSH D012174, MONDO:0019200, OMIM 268000. Inheritance: Autosomal dominant, autosomal recessive and X linked inheritance.

Submissions (5):

Women's Health and Genetics/Laboratory Corporation of America, LabCorp
Classification: Likely pathogenic for Usher syndrome. Last evaluated: 2025-09-18. Review status: criteria provided, single submitter. Criteria: LabCorp Variant Classification Summary - May 2015. Collection method: clinical testing. Allele origin: germline.
Comment: Variant summary: USH2A c.2953T>C (p.Cys985Arg) results in a non-conservative amino acid change located in the Laminin-type EGF domain (IPR002049) of the encoded protein sequence. Algorithms developed to predict the effect of missense changes on protein structure and function all suggest that this variant is likely to be disruptive. The variant was absent in 250832 control chromosomes. c.2953T>C has been reported in the literature in at least two compound heterozygous individuals affected with Usher Syndrome (e.g., Weisschuh_2020, Colombo_2021). These data indicate that the variant may be associated with disease. To our knowledge, no experimental evidence demonstrating an impact on protein function has been reported. The following publications have been ascertained in the context of this evaluation (PMID: 33576794, 32531858). ClinVar contains an entry for this variant (Variation ID: 623722). Based on the evidence outlined above, the variant was classified as likely pathogenic.

Labcorp Genetics (formerly Invitae), Labcorp
Classification: Pathogenic. Last evaluated: 2023-10-03. Review status: criteria provided, single submitter. Criteria: Invitae Variant Classification Sherloc (09022015). Collection method: clinical testing. Allele origin: germline.
Comment: This sequence change replaces cysteine, which is neutral and slightly polar, with arginine, which is basic and polar, at codon 985 of the USH2A protein (p.Cys985Arg). This variant is present in population databases (no rsID available, gnomAD 0.02%), including at least one homozygous and/or hemizygous individual. This missense change has been observed in individual(s) with Usher syndrome (PMID: 33576794). In at least one individual the data is consistent with being in trans (on the opposite chromosome) from a pathogenic variant. ClinVar contains an entry for this variant (Variation ID: 623722). Advanced modeling of protein sequence and biophysical properties (such as structural, functional, and spatial information, amino acid conservation, physicochemical variation, residue mobility, and thermodynamic stability) performed at Invitae indicates that this missense variant is expected to disrupt USH2A protein function. For these reasons, this variant has been classified as Pathogenic.

Baylor Genetics
Classification: Likely pathogenic for Retinitis pigmentosa 39. Last evaluated: 2023-03-12. Review status: criteria provided, single submitter. Criteria: ACMG Guidelines, 2015. Collection method: clinical testing. Allele origin: unknown.

Molecular Genetics Laboratory, Institute for Ophthalmic Research
Classification: Pathogenic for Retinitis pigmentosa. Last evaluated: 2020-01-09. Review status: criteria provided, single submitter. Criteria: ACMG Guidelines, 2015. Collection method: research. Allele origin: germline. Affected: yes.

CeGaT Center for Human Genetics Tuebingen
Classification: Uncertain significance. Last evaluated: 2018-06-01. Review status: criteria provided, single submitter. Criteria: CeGaT Center For Human Genetics Tuebingen Variant Classification Criteria Version 2. Collection method: clinical testing. Allele origin: germline. Affected: yes. Observed: 1 variant allele.

Literature cited by the submitters: PubMed 32531858 (cited by Women's Health and Genetics/Laboratory Corporation of America, LabCorp); PubMed 33576794 (cited by Women's Health and Genetics/Laboratory Corporation of America, LabCorp and Labcorp Genetics (formerly Invitae), Labcorp).

NM_206933.4(USH2A):c.2953T>C (p.Cys985Arg)

Genes: USH2A (usherin; minus strand), USH2A-AS1 (USH2A antisense RNA 1; plus strand). Cytogenetic location: 1q41.
Variant type: single nucleotide variant.
Coding change: c.2953T>C on transcript NM_206933.4 (MANE Select); coding-DNA position 2953, T replaced by C.
Protein change: p.Cys985Arg; replaces cysteine 985 with arginine.
Molecular consequence: missense variant.
Genome position (GRCh38, 1-based): chr1:216,231,993, A>G on the plus strand (T>C on the coding strand, the complement: USH2A is on the minus strand). VCF-style: chr1-216231993-A-G. GRCh37 (hg19) VCF-style: chr1-216405335-A-G.
Other names: c.2953T>C, p.Cys985Arg (NM_007123.6); short protein forms C985R.
Identifiers: ClinVar variation 623722 (VCV000623722.51), dbSNP rs1171264735, ClinGen allele CA344863142.